The following is an entry in ClinVar:

NM_001458.5(FLNC):c.719T>C (p.Ile240Thr)

Gene: FLNC (filamin C; plus strand). Cytogenetic location: 7q32.1.
Variant type: single nucleotide variant.
Coding change: c.719T>C on transcript NM_001458.5 (MANE Select); coding-DNA position 719, T replaced by C.
Protein change: p.Ile240Thr; replaces isoleucine 240 with threonine.
Molecular consequence: missense variant.
Genome position (GRCh38, 1-based): chr7:128,837,417, T>C. VCF-style: chr7-128837417-T-C. GRCh37 (hg19) VCF-style: chr7-128477471-T-C.
Other names: c.719T>C, p.Ile240Thr (NM_001127487.2); short protein forms I240T.
Identifiers: ClinVar variation 1515862 (VCV001515862.30), dbSNP rs778626535, ClinGen allele CA4474115.

ClinVar aggregate classification (germline): Uncertain significance. Review status: criteria provided, multiple submitters, no conflicts (2 of 4 stars). 2 submissions from 2 submitters: Uncertain significance (2). Last evaluated 2025-01-27.

Conditions:
Myofibrillar myopathy 5. Also called: Filaminopathy (type); FILAMINOPATHY, AUTOSOMAL DOMINANT. Identifiers: Orphanet 171445, MedGen C1836050, MONDO:0012289, OMIM 609524.
Distal myopathy with posterior leg and anterior hand involvement. Also called: WILLIAMS DISTAL MYOPATHY. Identifiers: Orphanet 63273, MedGen C3279722, MONDO:0013550, OMIM 614065.
Hypertrophic cardiomyopathy 26. Also called: Cardiomyopathy, familial hypertrophic, 26. Identifiers: Orphanet 75249, MedGen C4310749, MONDO:0014883, OMIM 617047.

Allele frequency attached by ClinVar (database versions not stated): ExAC 0.00001.

Submissions (2):

Labcorp Genetics (formerly Invitae), Labcorp
Classification: Uncertain significance for Distal myopathy with posterior leg and anterior hand involvement; Myofibrillar myopathy 5; Hypertrophic cardiomyopathy 26. Last evaluated: 2025-01-27. Review status: criteria provided, single submitter. Criteria: Invitae Variant Classification Sherloc (09022015). Collection method: clinical testing. Allele origin: germline.
Comment: This sequence change replaces isoleucine, which is neutral and non-polar, with threonine, which is neutral and polar, at codon 240 of the FLNC protein (p.Ile240Thr). This variant is not present in population databases (gnomAD no frequency). This missense change has been observed in individual(s) with FLNC-related conditions (PMID: 32528171). ClinVar contains an entry for this variant (Variation ID: 1515862). Invitae Evidence Modeling of protein sequence and biophysical properties (such as structural, functional, and spatial information, amino acid conservation, physicochemical variation, residue mobility, and thermodynamic stability) has been performed for this missense variant. However, the output from this modeling did not meet the statistical confidence thresholds required to predict the impact of this variant on FLNC protein function. In summary, the available evidence is currently insufficient to determine the role of this variant in disease. Therefore, it has been classified as a Variant of Uncertain Significance.

CeGaT Center for Human Genetics Tuebingen
Classification: Uncertain significance. Last evaluated: 2024-10-01. Review status: criteria provided, single submitter. Criteria: CeGaT Center For Human Genetics Tuebingen Variant Classification Criteria Version 2. Collection method: clinical testing. Allele origin: germline. Affected: yes. Observed: 1 variant allele.
Comment: FLNC: PM2, PP3

Literature cited by the submitters: PubMed 32528171 (cited by Labcorp Genetics (formerly Invitae), Labcorp).